The following is an entry in ClinVar:

ClinVar aggregate classification (germline): Pathogenic. Review status: criteria provided, multiple submitters, no conflicts (2 of 4 stars). 8 submissions from 8 submitters: Pathogenic (7). 1 of the submissions does not count toward it. Last evaluated 2025-10-06.

Conditions:
Deficiency of acetyl-CoA acetyltransferase. Also called: Beta-ketothiolase deficiency; MITOCHONDRIAL ACETOACETYL-CoA THIOLASE DEFICIENCY; 3-KETOTHIOLASE DEFICIENCY; 3-OXOTHIOLASE DEFICIENCY. Identifiers: Orphanet 134, MedGen C1536500, MONDO:0008760, OMIM 203750. Disease mechanism: loss of function.

Allele frequency attached by ClinVar (database versions not stated): ExAC 0.00002; gnomAD 0.00002 and 0.00004; TOPMed 0.00002; 1000 Genomes Project 30x 0.00047; 1000 Genomes Project 0.00060.

Submissions (8):

Labcorp Genetics (formerly Invitae), Labcorp
Classification: Pathogenic for Deficiency of acetyl-CoA acetyltransferase. Last evaluated: 2025-10-06. Review status: criteria provided, single submitter. Criteria: Invitae Variant Classification Sherloc (09022015). Collection method: clinical testing. Allele origin: germline.
Comment: This sequence change creates a premature translational stop signal (p.Arg208*) in the ACAT1 gene. It is expected to result in an absent or disrupted protein product. Loss-of-function variants in ACAT1 are known to be pathogenic (PMID: 7749408). This variant is present in population databases (rs532190594, gnomAD 0.01%). This premature translational stop signal has been observed in individuals with acetoacetyl-CoA-thiolase deficiency (PMID: 20156697, 28220263). It is commonly reported in individuals of Vietnamese ancestry (PMID: 20156697, 28220263). ClinVar contains an entry for this variant (Variation ID: 376832). For these reasons, this variant has been classified as Pathogenic.

Natera, Inc.
Classification: Pathogenic for Alpha-methylacetoacetic aciduria. Last evaluated: 2025-09-11. Review status: criteria provided, single submitter. Criteria: Natera Variant Classification Schema (03/2026). Collection method: clinical testing. Allele origin: germline.
Comment: The c.622C>T variant in ACAT1 is a nonsense variant predicted to introduce a stop codon at amino acid 208. This variant is expected to result in nonsense mediated decay, truncation, or a dysfunctional protein product. This variant is rare in the general population with a frequency below the threshold expected for the associated phenotype(s). This variant has been observed in one or more individuals affected with the associated recessive disease, as either homozygous or compound heterozygous with a second variant (PMID: 28220263). Given the available evidence, this variant is classified as Pathogenic.

Myriad Genetics, Inc.
Classification: Pathogenic for Deficiency of acetyl-CoA acetyltransferase. Last evaluated: 2024-02-03. Review status: criteria provided, single submitter. Criteria: Myriad Autosomal Dominant, Autosomal Recessive and X-Linked Classification Criteria (2023). Collection method: clinical testing. Allele origin: unknown.
Comment: NM_000019.3(ACAT1):c.622C>T(R208*) is expected to be pathogenic in the context of beta-ketothiolase deficiency. This variant is predicted to lead to an abnormal or absent protein product due to the creation of a premature termination codon in ACAT1, a gene where loss-of-function variants are known to be pathogenic. Please note: this variant was assessed in the context of healthy population screening.

Women's Health and Genetics/Laboratory Corporation of America, LabCorp
Classification: Pathogenic for Deficiency of acetyl-CoA acetyltransferase. Last evaluated: 2021-11-21. Review status: criteria provided, single submitter. Criteria: LabCorp Variant Classification Summary - May 2015. Collection method: clinical testing. Allele origin: germline.
Comment: Variant summary: ACAT1 c.622C>T (p.Arg208X) results in a premature termination codon, predicted to cause a truncation of the encoded protein or absence of the protein due to nonsense mediated decay, which are commonly known mechanisms for disease. Truncations downstream of this position have been classified as pathogenic by our laboratory. The variant allele was found at a frequency of 1.2e-05 in 251186 control chromosomes. c.622C>T has been reported in the literature as a homozygous and compound heterozygous genotype in multiple individuals affected with Mitochondrial Acetoacetyl-CoA Thiolase Deficiency (example, Nguyen_2017, Fukao_2010, Lin_2021). These data indicate that the variant is very likely to be associated with disease. To our knowledge, no experimental evidence demonstrating an impact on protein function has been reported. Four clinical diagnostic laboratories have submitted clinical-significance assessments for this variant to ClinVar after 2014 without evidence for independent evaluation and all submitters classified the variant as pathogenic. Based on the evidence outlined above, the variant was classified as pathogenic.

Department of Pediatrics, Gifu University
Classification: Pathogenic for Deficiency of acetyl-CoA acetyltransferase. Last evaluated: 2019-05-05. Review status: criteria provided, single submitter. Criteria: ACMG Guidelines, 2015. Collection method: research. Allele origin: germline. Affected: yes. Observed: 31 variant alleles. Clinical features observed: Ketoacidosis.

Center for Pediatric Genomic Medicine, Children's Mercy Hospital and Clinics
Classification: Pathogenic. Last evaluated: 2017-01-05. Review status: criteria provided, single submitter. Criteria: ACMG Guidelines, 2015. Collection method: clinical testing. Allele origin: germline.

Juno Genomics, Hangzhou Juno Genomics, Inc
Classification: Pathogenic for Deficiency of acetyl-CoA acetyltransferase. Review status: criteria provided, single submitter. Criteria: ACMG Guidelines, 2015. Collection method: clinical testing. Allele origin: germline.
Comment: Absent from controls (or at extremely low frequency if recessive) in Genome Aggregation Database.;Null variant in a gene where loss of function (LOF) is a known mechanism of disease.;For recessive disorders, detected in trans with a pathogenic variant.;Patient's phenotype or family history is highly specific for a disease with a single genetic etiology.

Neonatal Disease Screening Center, Medical Genetics Center, Huaihua City Maternal and Child Health Care Hospital
Classification: Pathogenic for Deficiency of acetyl-CoA acetyltransferase. Review status: no assertion criteria provided. Criteria: ACMG Guidelines, 2015. Collection method: clinical testing. Allele origin: germline. Affected: yes. Observed: 1 variant allele. Not counted in ClinVar's aggregate classification.
Comment: PS3+PM2_P+PM3_S+PP4

Literature cited by the submitters: PubMed 7749408 (cited by Labcorp Genetics (formerly Invitae), Labcorp); PubMed 20156697 (cited by Labcorp Genetics (formerly Invitae), Labcorp and Women's Health and Genetics/Laboratory Corporation of America, LabCorp); PubMed 28220263 (cited by 3 submitters); PubMed 34001203 (cited by Women's Health and Genetics/Laboratory Corporation of America, LabCorp); PubMed 31268215 (cited by Department of Pediatrics, Gifu University).

NM_000019.4(ACAT1):c.622C>T (p.Arg208Ter)

Gene: ACAT1 (acetyl-CoA acetyltransferase 1; plus strand). Cytogenetic location: 11q22.3.
Variant type: single nucleotide variant.
Coding change: c.622C>T on transcript NM_000019.4 (MANE Select); coding-DNA position 622, C replaced by T.
Protein change: p.Arg208Ter; replaces arginine 208 with a stop codon.
Molecular consequence: nonsense.
Genome position (GRCh38, 1-based): chr11:108,140,107, C>T. VCF-style: chr11-108140107-C-T. GRCh37 (hg19) VCF-style: chr11-108010834-C-T.
Other names: c.622C>T, p.Arg208Ter (LRG_1400t1); short protein forms R208*.
Identifiers: ClinVar variation 376832 (VCV000376832.23), dbSNP rs532190594, ClinGen allele CA6263171.